The following is an entry in ClinVar:

ClinVar aggregate classification (germline): Benign. Review status: criteria provided, multiple submitters, no conflicts (2 of 4 stars). 4 submissions from 4 submitters: Benign (3). 1 of the submissions does not count toward it. Last evaluated 2019-09-30.

Conditions:
Niemann-Pick disease, type A. Also called: SPHINGOMYELIN LIPIDOSIS; SPHINGOMYELINASE DEFICIENCY; Infantile Neurovisceral ASMD (Niemann-Pick Disease Type A; NPD-A). Identifiers: Orphanet 77292, MedGen C0268242, MONDO:0009756, OMIM 257200. Disease mechanism: loss of function.

Allele frequency attached by ClinVar (database versions not stated): gnomAD exomes 0.00215; 1000 Genomes Project 0.01857; 1000 Genomes Project 30x 0.02092; gnomAD 0.02149 and 0.02334; TOPMed 0.02472.
gnomAD v4.1: 5,817 of 1,292,224 alleles (0.45%); highest among the groups gnomAD compares: African/African-American, 7.5%; 224 homozygotes.

Submissions (5):

GeneDx
Classification: Benign. Last evaluated: 2019-09-30. Review status: criteria provided, single submitter. Criteria: GeneDx Variant Classification Process June 2021. Collection method: clinical testing. Allele origin: germline. Affected: yes.

Illumina Laboratory Services, Illumina
Classification: Benign for Niemann-Pick disease, type A. Last evaluated: 2018-01-12. Review status: criteria provided, single submitter. Criteria: ICSL Variant Classification Criteria 13 December 2019. Collection method: clinical testing. Allele origin: germline.
Comment: This variant was observed in the ICSL laboratory as part of a predisposition screen in an ostensibly healthy population. It had not been previously curated by ICSL or reported in the Human Gene Mutation Database (HGMD: prior to June 1st, 2018), and was therefore a candidate for classification through an automated scoring system. Utilizing variant allele frequency, disease prevalence and penetrance estimates, and inheritance mode, an automated score was calculated to assess if this variant is too frequent to cause the disease. Based on the score and internal cut-off values, a variant classified as benign is not then subjected to further curation. The score for this variant resulted in a classification of benign for this disease.

Breakthrough Genomics
Classification: Benign. Review status: criteria provided, single submitter. Criteria: ACMG Guidelines, 2015. Collection method: not provided. Allele origin: germline. Inheritance: Autosomal recessive inheritance. Affected: yes.

Natera, Inc.
Classification: Benign for Niemann-Pick Disease, Types A/B. Last evaluated: 2018-04-12. Review status: no assertion criteria provided. Collection method: clinical testing. Allele origin: germline. Not counted in ClinVar's aggregate classification.

Dr. Peter K. Rogan Lab, Western University
No classification provided (evidence only). Condition: Cervical cancer. Review status: no classification provided. Collection method: in vitro. Allele origin: not applicable. Functional consequence: retained intron. Not counted in ClinVar's aggregate classification.

NM_000543.5(SMPD1):c.*74A>C

Gene: SMPD1 (sphingomyelin phosphodiesterase 1; plus strand). Cytogenetic location: 11p15.4.
Variant type: single nucleotide variant.
Coding change: c.*74A>C on transcript NM_000543.5 (MANE Select); 74 bases downstream of the stop codon, A replaced by C.
Molecular consequence: 3 prime UTR variant. On other transcripts: non-coding transcript variant (2).
Genome position (GRCh38, 1-based): chr11:6,394,681, A>C. VCF-style: chr11-6394681-A-C. GRCh37 (hg19) VCF-style: chr11-6415911-A-C.
Other names: NC_000011.9:g.6415911A>C; c.*74A>C (NM_001007593.3, NM_001318088.2, NM_001365135.2); c.*463A>C (NM_001318087.2).
Identifiers: ClinVar variation 305209 (VCV000305209.14), dbSNP rs1803160, ClinGen allele CA10639550.